The following is an entry in ClinVar:

NM_002076.4(GNS):c.878G>A (p.Trp293Ter)

Gene: GNS (glucosamine (N-acetyl)-6-sulfatase; minus strand). Cytogenetic location: 12q14.3.
Variant type: single nucleotide variant.
Coding change: c.878G>A on transcript NM_002076.4 (MANE Select); coding-DNA position 878, G replaced by A.
Protein change: p.Trp293Ter; replaces tryptophan 293 with a stop codon.
Molecular consequence: nonsense.
Genome position (GRCh38, 1-based): chr12:64,739,497, C>T on the plus strand (G>A on the coding strand, the complement: GNS is on the minus strand). VCF-style: chr12-64739497-C-T. GRCh37 (hg19) VCF-style: chr12-65133277-C-T.
Other names: p.Trp293*; short protein forms W293*.
Identifiers: ClinVar variation 3381090 (VCV003381090.1).

ClinVar aggregate classification (germline): Likely pathogenic (1 of 4 stars; one submission).

Submission:

Mayo Clinic Laboratories, Mayo Clinic
Classification: Likely pathogenic. Last evaluated: 2024-01-03. Review status: criteria provided, single submitter. Criteria: ACMG Guidelines, 2015. Collection method: clinical testing. Allele origin: germline. Observed: 1 variant allele.
Comment: PM2_moderate, PVS1